The following is an entry in ClinVar:

ClinVar aggregate classification (germline): Uncertain significance. Review status: criteria provided, multiple submitters, no conflicts (2 of 4 stars). 2 submissions from 2 submitters: Uncertain significance (2). Last evaluated 2025-04-25.

Conditions:
Inborn genetic diseases. Identifiers: MedGen C0950123, MeSH D030342.

Allele frequency attached by ClinVar (database versions not stated): gnomAD 0.00001; gnomAD exomes 0.00002; TOPMed 0.00002; ESP Exome Variant Server 0.00009; ExAC 0.00014.
gnomAD v4.1: 29 of 1,520,932 alleles (0.0019%); highest among the groups gnomAD compares: Non-Finnish European, 0.0026%; no homozygotes.

Submissions (2):

Ambry Genetics
Classification: Uncertain significance for Inborn genetic diseases. Last evaluated: 2025-04-25. Review status: criteria provided, single submitter. Criteria: Ambry Variant Classification Scheme 2023. Collection method: clinical testing. Allele origin: germline.

Labcorp Genetics (formerly Invitae), Labcorp
Classification: Uncertain significance. Last evaluated: 2022-11-03. Review status: criteria provided, single submitter. Criteria: Invitae Variant Classification Sherloc (09022015). Collection method: clinical testing. Allele origin: germline.
Comment: In summary, the available evidence is currently insufficient to determine the role of this variant in disease. Therefore, it has been classified as a Variant of Uncertain Significance. Advanced modeling of protein sequence and biophysical properties (such as structural, functional, and spatial information, amino acid conservation, physicochemical variation, residue mobility, and thermodynamic stability) performed at Invitae indicates that this missense variant is not expected to disrupt COL4A2 protein function. This variant has not been reported in the literature in individuals affected with COL4A2-related conditions. This variant is present in population databases (rs369694407, gnomAD 0.006%). This sequence change replaces aspartic acid, which is acidic and polar, with glycine, which is neutral and non-polar, at codon 764 of the COL4A2 protein (p.Asp764Gly).

NM_001846.4(COL4A2):c.2291A>G (p.Asp764Gly)

Gene: COL4A2 (collagen type IV alpha 2 chain; plus strand). Cytogenetic location: 13q34.
Variant type: single nucleotide variant.
Coding change: c.2291A>G on transcript NM_001846.4 (MANE Select); coding-DNA position 2291, A replaced by G.
Protein change: p.Asp764Gly; replaces aspartic acid 764 with glycine.
Molecular consequence: missense variant.
Genome position (GRCh38, 1-based): chr13:110,473,016, A>G. VCF-style: chr13-110473016-A-G. GRCh37 (hg19) VCF-style: chr13-111125363-A-G.
Other names: c.2291A>G (NM_001846.2); short protein forms D764G.
Identifiers: ClinVar variation 1896778 (VCV001896778.6), dbSNP rs369694407, ClinGen allele CA7049888.